The following is an entry in ClinVar:

NM_001388453.1(QRICH2):c.1955A>C (p.Gln652Pro)

Gene: QRICH2 (glutamine rich 2; minus strand). Cytogenetic location: 17q25.1.
Variant type: single nucleotide variant.
Coding change: c.1955A>C on transcript NM_001388453.1 (MANE Select); coding-DNA position 1955, A replaced by C.
Protein change: p.Gln652Pro; replaces glutamine 652 with proline.
Molecular consequence: missense variant.
Genome position (GRCh38, 1-based): chr17:76,292,772, T>G on the plus strand (A>C on the coding strand, the complement: QRICH2 is on the minus strand). VCF-style: chr17-76292772-T-G. GRCh37 (hg19) VCF-style: chr17-74288853-T-G.
Other names: c.1955A>C, p.Gln652Pro (NM_032134.3); short protein forms Q652P.
Identifiers: ClinVar variation 3044095 (VCV003044095.2), dbSNP rs78570050, ClinGen allele CA8784206.
Genomic context (GRCh38, chr17:76,292,772, plus strand): 5'-TGGACCATGCCAGGCTGATCTACACCAGGCTGTACCAAGACACCCTGACCTGTGCCAGAT[T>G]GGACCAAATCATGCTGACCTGTGCCAGGCTGGATCAAACCATGCTGATCTCTACCAGGTT-3'
Protein context (NP_001375382.1, residues 642-662): QPGTGQHDLV[Gln652Pro]SGTGQGVLVQ

ClinVar aggregate classification (germline): Benign (0 of 4 stars; one submission).

Conditions:
QRICH2-related disorder. Also called: QRICH2-related condition.

Allele frequency attached by ClinVar (database versions not stated): ESP Exome Variant Server 0.00008; gnomAD 0.00102; 1000 Genomes Project 0.00579; 1000 Genomes Project 30x 0.00687.
gnomAD v4.1: 1,335 of 1,613,690 alleles (0.083%); highest among the groups gnomAD compares: East Asian, 2.5%; 25 homozygotes.

Submission:

PreventionGenetics, part of Exact Sciences
Classification: Benign for QRICH2-related condition. Last evaluated: 2019-10-28. Review status: no assertion criteria provided. Collection method: clinical testing. Allele origin: germline.
Comment: This variant is classified as benign based on ACMG/AMP sequence variant interpretation guidelines (Richards et al. 2015 PMID: 25741868, with internal and published modifications).